The following is an entry in ClinVar:

ClinVar aggregate classification (germline): Pathogenic (1 of 4 stars; one submission).

Submission:

GeneDx
Classification: Pathogenic. Last evaluated: 2016-12-05. Review status: criteria provided, single submitter. Criteria: GeneDx Variant Classification (06012015). Collection method: clinical testing. Allele origin: germline. Affected: yes.
Comment: The c.1942_1943delCT variant in the SATB2 gene has not been reported previously as a pathogenic variant nor as a benign variant, to our knowledge. The c.1942_1943delCT variant causes a frameshift starting with codon Leucine 648, changes this amino acid to a Phenylalanine residue, and creates a premature Stop codon at position 40 of the new reading frame, denoted p.Leu648PhefsX40. This variant is predicted to cause loss of normal protein function through protein truncation. The c.1942_1943delCT variant was not observed in approximately 6500 individuals of European and African American ancestry in the NHLBI Exome Sequencing Project, indicating it is not a common benign variant in these populations. We interpret c.1942_1943delCT as a pathogenic variant.

NM_001172509.2(SATB2):c.1942_1943del (p.Leu648fs)

Genes: SATB2 (SATB homeobox 2; minus strand), LOC126806462 (MED14-independent group 3 enhancer GRCh37_chr2:200136608-200137807; plus strand). Cytogenetic location: 2q33.1.
Variant type: Microsatellite.
Coding change: c.1942_1943del on transcript NM_001172509.2 (MANE Select); coding-DNA positions 1942 to 1943, 2 bases deleted (CT; older notation c.1942_1943delCT).
Protein change: p.Leu648fs; shifts the reading frame from leucine 648.
Molecular consequence: frameshift variant.
Genome position (GRCh38, 1-based): chr2:199,272,470-199,272,471, AG deleted on the plus strand (CT on the coding strand, the reverse complement: SATB2 is on the minus strand); deleting any 2 consecutive bases within chr2:199,272,470-199,272,473 gives the same sequence; the c. name uses the placement nearest the transcript's 3' end. VCF-style (leftmost placement, unchanged base first): chr2-199272469-AAG-A. GRCh37 (hg19) VCF-style: chr2-200137192-AAG-A.
Other names: c.1942_1943del, p.Leu648fs (NM_001172517.1, NM_015265.4); short protein forms L648fs.
Identifiers: ClinVar variation 373794 (VCV000373794.2), dbSNP rs1057518614, ClinGen allele CA16042381.